The following is an entry in ClinVar:

ClinVar aggregate classification (germline): Uncertain significance. Review status: criteria provided, multiple submitters, no conflicts (2 of 4 stars). 2 submissions from 2 submitters: Uncertain significance (2). Last evaluated 2022-08-22.

Conditions:
Leukodystrophy, hypomyelinating, 6. Also called: TUBB4A-Associated Leukodystrophy; Hypomyelination with Atrophy of Basal Ganglia and Cerebellum (H-ABC); LEUKODYSTROPHY, HYPOMYELINATING, WITH ATROPHY OF THE BASAL GANGLIA AND CEREBELLUM. Identifiers: Orphanet 139441, MedGen C2676244, MONDO:0012905, OMIM 612438.

Submissions (2):

Labcorp Genetics (formerly Invitae), Labcorp
Classification: Uncertain significance for Leukodystrophy, hypomyelinating, 6. Last evaluated: 2022-08-22. Review status: criteria provided, single submitter. Criteria: Invitae Variant Classification Sherloc (09022015). Collection method: clinical testing. Allele origin: germline.
Comment: This sequence change creates a premature translational stop signal (p.Ile155Metfs*45) in the TUBB4A gene. While this is not anticipated to result in nonsense mediated decay, it is expected to disrupt the last 290 amino acid(s) of the TUBB4A protein. The frequency data for this variant in the population databases is considered unreliable, as metrics indicate poor data quality at this position in the gnomAD database. This variant has not been reported in the literature in individuals affected with TUBB4A-related conditions. ClinVar contains an entry for this variant (Variation ID: 1482965). In summary, the available evidence is currently insufficient to determine the role of this variant in disease. Therefore, it has been classified as a Variant of Uncertain Significance.

Revvity Omics, Revvity
Classification: Uncertain significance. Last evaluated: 2019-07-01. Review status: criteria provided, single submitter. Criteria: ACMG Guidelines, 2015. Collection method: clinical testing. Allele origin: germline.

NM_006087.4(TUBB4A):c.464_465insGAGT (p.Ile155fs)

Gene: TUBB4A (tubulin beta 4A class IVa; minus strand). Cytogenetic location: 19p13.3.
Variant type: Insertion.
Coding change: c.464_465insGAGT on transcript NM_006087.4 (MANE Select); coding-DNA positions 464 to 465, GAGT inserted.
Protein change: p.Ile155fs; shifts the reading frame from isoleucine 155.
Molecular consequence: frameshift variant.
Genome position: GRCh38 VCF-style: chr19-6496034-G-GACTC. GRCh37 (hg19) VCF-style: chr19-6496045-G-GACTC.
Other names: c.464_465insGAGT (NM_006087.2); c.617_618insGAGT, p.Ile206fs (NM_001289123.2); c.599_600insGAGT, p.Ile200fs (NM_001289127.2); c.464_465insGAGT, p.Ile155fs (NM_001289129.2); c.248_249insGAGT, p.Ile83fs (NM_001289130.2, NM_001289131.2); short protein forms I200fs, I155fs, I206fs, I83fs.
Identifiers: ClinVar variation 1482965 (VCV001482965.6), dbSNP rs1160028307, ClinGen allele CA631721499.